The following is an entry in ClinVar:

ClinVar aggregate classification (germline): Uncertain significance (1 of 4 stars; one submission).

Allele frequency attached by ClinVar (database versions not stated): gnomAD exomes below 0.00001.
gnomAD v4.1: 1 of 1,498,270 alleles (0.000067%); highest among the groups gnomAD compares: East Asian, 0.0027%; no homozygotes.

Submission:

Ambry Genetics
Classification: Uncertain significance. Last evaluated: 2022-09-26. Review status: criteria provided, single submitter. Criteria: Ambry Variant Classification Scheme 2023. Collection method: clinical testing. Allele origin: germline.
Comment: The p.A2T variant (also known as c.4G>A), located in coding exon 1 of the PRKDC gene, results from a G to A substitution at nucleotide position 4. The alanine at codon 2 is replaced by threonine, an amino acid with similar properties. This amino acid position is conserved. In addition, this alteration is predicted to be tolerated by in silico analysis. Since supporting evidence is limited at this time, the clinical significance of this alteration remains unclear.

NM_006904.7(PRKDC):c.4G>A (p.Ala2Thr)

Genes: PRKDC (protein kinase, DNA-activated, catalytic subunit; minus strand), LOC129929030 (ATAC-STARR-seq lymphoblastoid silent region 19177; plus strand). Cytogenetic location: 8q11.21.
Variant type: single nucleotide variant.
Coding change: c.4G>A on transcript NM_006904.7 (MANE Select); coding-DNA position 4, G replaced by A.
Protein change: p.Ala2Thr; replaces alanine 2 with threonine.
Molecular consequence: missense variant.
Genome position (GRCh38, 1-based): chr8:47,960,123, C>T on the plus strand (G>A on the coding strand, the complement: PRKDC is on the minus strand). VCF-style: chr8-47960123-C-T. GRCh37 (hg19) VCF-style: chr8-48872683-C-T.
Other names: c.4G>A, p.Ala2Thr (NM_001081640.2); short protein forms A2T.
Identifiers: ClinVar variation 1744701 (VCV001744701.2), dbSNP rs2551882763, ClinGen allele CA371143164.